The following is an entry in ClinVar:

ClinVar aggregate classification (germline): Conflicting classifications of pathogenicity. Review status: criteria provided, conflicting classifications (1 of 4 stars). 2 submissions from 2 submitters: Uncertain significance (1); Likely benign (1). Last evaluated 2024-12-17.

Conditions:
Inborn genetic diseases. Identifiers: MedGen C0950123, MeSH D030342.

Allele frequency attached by ClinVar (database versions not stated): gnomAD exomes below 0.00001; gnomAD 0.00001; TOPMed 0.00003.
gnomAD v4.1: 3 of 1,613,912 alleles (0.00019%); highest among the groups gnomAD compares: Admixed American, 0.0017%; no homozygotes.

Submissions (2):

Ambry Genetics
Classification: Likely benign for Inborn genetic diseases. Last evaluated: 2024-12-17. Review status: criteria provided, single submitter. Criteria: Ambry Variant Classification Scheme 2023. Collection method: clinical testing. Allele origin: germline.

Labcorp Genetics (formerly Invitae), Labcorp
Classification: Uncertain significance. Last evaluated: 2024-09-27. Review status: criteria provided, single submitter. Criteria: Invitae Variant Classification Sherloc (09022015). Collection method: clinical testing. Allele origin: germline.
Comment: This sequence change replaces valine, which is neutral and non-polar, with isoleucine, which is neutral and non-polar, at codon 2986 of the VCAN protein (p.Val2986Ile). This variant is present in population databases (no rsID available, gnomAD no frequency). This variant has not been reported in the literature in individuals affected with VCAN-related conditions. ClinVar contains an entry for this variant (Variation ID: 1477313). An algorithm developed to predict the effect of missense changes on protein structure and function outputs the following: PolyPhen-2: "Benign". The isoleucine amino acid residue is found in multiple mammalian species, which suggests that this missense change does not adversely affect protein function. In summary, the available evidence is currently insufficient to determine the role of this variant in disease. Therefore, it has been classified as a Variant of Uncertain Significance.

NM_004385.5(VCAN):c.8956G>A (p.Val2986Ile)

Genes: VCAN (versican; plus strand), VCAN-AS1 (VCAN antisense RNA 1; minus strand). Cytogenetic location: 5q14.3.
Variant type: single nucleotide variant.
Coding change: c.8956G>A on transcript NM_004385.5 (MANE Select); coding-DNA position 8956, G replaced by A.
Protein change: p.Val2986Ile; replaces valine 2986 with isoleucine.
Molecular consequence: missense variant. On other transcripts: intron variant (2).
Genome position (GRCh38, 1-based): chr5:83,541,959, G>A. VCF-style: chr5-83541959-G-A. GRCh37 (hg19) VCF-style: chr5-82837778-G-A.
Other names: c.5995G>A, p.Val1999Ile (NM_001164097.2); c.4004-3578G>A (NM_001164098.2); c.1043-3578G>A (NM_001126336.3); c.8956G>A (NM_004385.4); short protein forms V1999I, V2986I.
Identifiers: ClinVar variation 1477313 (VCV001477313.9), dbSNP rs984823914, ClinGen allele CA121776981.